The following is an entry in ClinVar:

ClinVar aggregate classification (germline): Benign/Likely benign. Review status: criteria provided, multiple submitters, no conflicts (2 of 4 stars). 8 submissions from 8 submitters: Benign (5); Likely benign (3). Last evaluated 2026-01-31.

Conditions:
Congenital generalized lipodystrophy type 1 (CGL1). Also called: Berardinelli-Seip Congenital Lipodystrophy Type 1; BRUNZELL SYNDROME, AGPAT2-RELATED. Identifiers: Orphanet 528, Orphanet 696189, MedGen C1720862, MONDO:0012071, OMIM 608594.
AGPAT2-related disorder. Also called: AGPAT2-related condition.

Allele frequency attached by ClinVar (database versions not stated): ExAC 0.00159; 1000 Genomes Project 30x 0.00265; 1000 Genomes Project 0.00280; gnomAD 0.00307 and 0.00332; ESP Exome Variant Server 0.00393.
gnomAD v4.1: 986 of 1,603,218 alleles (0.062%); highest among the groups gnomAD compares: African/African-American, 1.1%; 7 homozygotes.

Submissions (8):

Labcorp Genetics (formerly Invitae), Labcorp
Classification: Benign. Last evaluated: 2026-01-31. Review status: criteria provided, single submitter. Criteria: Invitae Variant Classification Sherloc (09022015). Collection method: clinical testing. Allele origin: germline.

CeGaT Center for Human Genetics Tuebingen
Classification: Likely benign. Last evaluated: 2025-03-01. Review status: criteria provided, single submitter. Criteria: CeGaT Center For Human Genetics Tuebingen Variant Classification Criteria Version 2. Collection method: clinical testing. Allele origin: germline. Affected: yes. Observed: 1 variant allele.
Comment: AGPAT2: BS1

PreventionGenetics, part of Exact Sciences
Classification: Benign for AGPAT2-related condition. Last evaluated: 2024-11-09. Review status: criteria provided, single submitter. Criteria: ACMG Guidelines, 2015. Collection method: clinical testing. Allele origin: germline.
Comment: This variant is classified as benign based on ACMG/AMP sequence variant interpretation guidelines (Richards et al. 2015 PMID: 25741868, with internal and published modifications).

Mayo Clinic Laboratories, Mayo Clinic
Classification: Benign. Last evaluated: 2023-06-22. Review status: criteria provided, single submitter. Criteria: ACMG Guidelines, 2015. Collection method: clinical testing. Allele origin: germline. Observed: 2 variant alleles.
Comment: BS1, BS3

Women's Health and Genetics/Laboratory Corporation of America, LabCorp
Classification: Benign. Last evaluated: 2022-05-04. Review status: criteria provided, single submitter. Criteria: LabCorp Variant Classification Summary - May 2015. Collection method: clinical testing. Allele origin: germline.
Comment: Variant summary: AGPAT2 c.716C>T (p.Ala239Val) results in a non-conservative amino acid change in the encoded protein sequence. Three of five in-silico tools predict a benign effect of the variant on protein function. The variant allele was found at a frequency of 0.00084 in 233002 control chromosomes, predominantly at a frequency of 0.012 within the African or African-American subpopulation in the gnomAD database. The observed variant frequency within African or African-American control individuals in the gnomAD database is approximately 14-fold of the estimated maximal expected allele frequency for a pathogenic variant in AGPAT2 causing Congenital Generalized Lipodystrophy phenotype (0.00087), strongly suggesting that the variant is a benign polymorphism found primarily in populations of African or African-American origin. c.716C>T has been reported in the literature in an individual affected with Congenital Generalized Lipodystrophy (Agarwal_2002). This report does not provide unequivocal conclusions about association of the variant with Congenital Generalized Lipodystrophy. Experimental evidence evaluating an impact on protein function demonstrated the variant to confer 90% of the wild type enzymatic activity (Haque_2005). Three ClinVar submitters (evaluation after 2014) cite the variant as benign/likely benign. Based on the evidence outlined above, the variant was classified as benign.

Illumina Laboratory Services, Illumina
Classification: Likely benign for Congenital generalized lipodystrophy type 1. Last evaluated: 2017-04-28. Review status: criteria provided, single submitter. Criteria: ICSL Variant Classification Criteria 13 December 2019. Collection method: clinical testing. Allele origin: germline.
Comment: This variant was observed as part of a predisposition screen in an ostensibly healthy population. A literature search was performed for the gene, cDNA change, and amino acid change (where applicable). Publications were found based on this search. The evidence from the literature, in combination with allele frequency data from public databases where available, was sufficient to determine this variant is unlikely to cause disease. Therefore, this variant is classified as likely benign.

Eurofins Ntd Llc (ga)
Classification: Benign. Last evaluated: 2017-04-14. Review status: criteria provided, single submitter. Criteria: EGL Classification Definitions 2015. Collection method: clinical testing. Allele origin: germline. Observed: 1 variant allele, 1 heterozygote.

Breakthrough Genomics
Classification: Likely benign. Review status: criteria provided, single submitter. Criteria: ACMG Guidelines, 2015. Collection method: not provided. Allele origin: germline. Inheritance: Autosomal recessive inheritance. Affected: yes.

Literature cited by the submitters: PubMed 11967537 (cited by 3 submitters); PubMed 12765973 (cited by Mayo Clinic Laboratories, Mayo Clinic and Illumina Laboratory Services, Illumina); PubMed 12826327 (cited by Mayo Clinic Laboratories, Mayo Clinic); PubMed 15629135 (cited by 4 submitters); PubMed 22995991 (cited by Mayo Clinic Laboratories, Mayo Clinic); PubMed 31416577 (cited by Mayo Clinic Laboratories, Mayo Clinic); PubMed 32117065 (cited by Mayo Clinic Laboratories, Mayo Clinic); PubMed 33356916 (cited by Mayo Clinic Laboratories, Mayo Clinic); PubMed 25195639 (cited by Illumina Laboratory Services, Illumina).

NM_006412.4(AGPAT2):c.716C>T (p.Ala239Val)

Gene: AGPAT2 (1-acylglycerol-3-phosphate O-acyltransferase 2; minus strand). Cytogenetic location: 9q34.3.
Variant type: single nucleotide variant.
Coding change: c.716C>T on transcript NM_006412.4 (MANE Select); coding-DNA position 716, C replaced by T.
Protein change: p.Ala239Val; replaces alanine 239 with valine.
Molecular consequence: missense variant.
Genome position (GRCh38, 1-based): chr9:136,673,873, G>A on the plus strand (C>T on the coding strand, the complement: AGPAT2 is on the minus strand). VCF-style: chr9-136673873-G-A. GRCh37 (hg19) VCF-style: chr9-139568325-G-A.
Other names: p.Ala239Val; c.620C>T, p.Ala207Val (NM_001012727.2); short protein forms A239V, A207V.
Identifiers: ClinVar variation 501494 (VCV000501494.27), dbSNP rs145975461, ClinGen allele CA5342845.
Genomic context (GRCh38, chr9:136,673,873, plus strand): 5'-ATGTGGAGGAAGGTGGTCCTCATGGCCCGGTGGCAGGTGTCCACGAGCGCAGGGACGTCC[G>A]CCGCAGTGAGGCCGCTGGTGGGGATGGCTTCCAGCACCTGCACTGTGACTGTTCCTGTGG-3'
Protein context (NP_006403.2, residues 229-249): EAIPTSGLTA[Ala239Val]DVPALVDTCH